The following is an entry in ClinVar:

ClinVar aggregate classification (germline): Uncertain significance (1 of 4 stars; one submission).

Conditions:
Hereditary cancer-predisposing syndrome. Also called: Tumor predisposition; Hereditary Cancer Syndrome; Hereditary neoplastic syndrome; Neoplastic Syndromes, Hereditary. Identifiers: Orphanet 140162, MedGen C0027672, MeSH D009386, MONDO:0015356.

gnomAD v4.1: 1 of 1,612,766 alleles (0.000062%); highest among the groups gnomAD compares: Non-Finnish European, 0.000085%; no homozygotes.

Submission:

Ambry Genetics
Classification: Uncertain significance for Hereditary cancer-predisposing syndrome. Last evaluated: 2023-06-26. Review status: criteria provided, single submitter. Criteria: Ambry Variant Classification Scheme 2023. Collection method: clinical testing. Allele origin: germline.
Comment: The p.V845L variant (also known as c.2533G>C), located in coding exon 17 of the SMARCA4 gene, results from a G to C substitution at nucleotide position 2533. The valine at codon 845 is replaced by leucine, an amino acid with highly similar properties. Missense and in-frame variants in SMARCA4 are known to cause neurodevelopmental disorders; however, such associations with rhabdoid tumor predisposition syndrome including small cell carcinoma of the ovary-hypercalcemic type (SCCOHT) are exceedingly rare (Kosho T et al. Am J Med Genet C Semin Med Genet. 2014 Sep;166C(3):262-75; Jelinic P et al. Nat Genet. 2014 May;46(5):424-6).This amino acid position is well conserved in available vertebrate species. In addition, this alteration is predicted to be tolerated by in silico analysis. Based on the supporting evidence, the association of this alteration with Coffin-Siris syndrome is unknown; however, the association of this alteration with rhabdoid tumor predisposition syndrome is unlikely.

NM_003072.5(SMARCA4):c.2533G>C (p.Val845Leu)

Gene: SMARCA4 (SWI/SNF related BAF chromatin remodeling complex subunit ATPase 4; plus strand). Cytogenetic location: 19p13.2.
Variant type: single nucleotide variant.
Coding change: c.2533G>C on transcript NM_003072.5 (MANE Select); coding-DNA position 2533, G replaced by C.
Protein change: p.Val845Leu; replaces valine 845 with leucine.
Molecular consequence: missense variant. On other transcripts: non-coding transcript variant (1).
Genome position (GRCh38, 1-based): chr19:11,019,618, G>C. VCF-style: chr19-11019618-G-C. GRCh37 (hg19) VCF-style: chr19-11130294-G-C.
Other names: c.2533G>C, p.Val845Leu (NM_001128844.3, NM_001128845.2, NM_001128846.2 and 6 more transcripts); short protein forms V845L.
Identifiers: ClinVar variation 2587110 (VCV002587110.2), dbSNP rs878854210, ClinGen allele CA404054361.